The following is an entry in ClinVar:

NM_004370.6(COL12A1):c.1682C>T (p.Ala561Val)

Gene: COL12A1 (collagen type XII alpha 1 chain; minus strand). Cytogenetic location: 6q13.
Variant type: single nucleotide variant.
Coding change: c.1682C>T on transcript NM_004370.6 (MANE Select); coding-DNA position 1682, C replaced by T.
Protein change: p.Ala561Val; replaces alanine 561 with valine.
Molecular consequence: missense variant. On other transcripts: intron variant (1).
Genome position (GRCh38, 1-based): chr6:75,183,259, G>A on the plus strand (C>T on the coding strand, the complement: COL12A1 is on the minus strand). VCF-style: chr6-75183259-G-A. GRCh37 (hg19) VCF-style: chr6-75892975-G-A.
Other names: c.73+19461C>T (NM_080645.3); short protein forms A561V.
Identifiers: ClinVar variation 851073 (VCV000851073.10), dbSNP rs1344964508, ClinGen allele CA364768996.
Genomic context (GRCh38, chr6:75,183,259, plus strand): 5'-CGAACGGCATCCTTCACACCAACTGCAAAGATTTCAACATCTGAATTCCTCAGTTTTATC[G>A]CAGGATCTCTGAAAGCATCTGATGATTTCCCATCCGTGATAAGAATCATGACCTTTGGCA-3'
Protein context (NP_004361.3, residues 551-571): GKSSDAFRDP[Ala561Val]IKLRNSDVEI

ClinVar aggregate classification (germline): Uncertain significance (1 of 4 stars; one submission).

Conditions:
Ullrich congenital muscular dystrophy 2 (UCMD2). Identifiers: Orphanet 75840, MedGen C4225314, MONDO:0014654, OMIM 616470.
Bethlem myopathy 2 (BTHLM2). Identifiers: Orphanet 536516, Orphanet 610, MedGen C4225313, MONDO:0034022, OMIM 616471.

Allele frequency attached by ClinVar (database versions not stated): gnomAD exomes below 0.00001.
gnomAD v4.1: 8 of 1,614,098 alleles (0.0005%); highest among the groups gnomAD compares: South Asian, 0.0022%; no homozygotes.

Submission:

Labcorp Genetics (formerly Invitae), Labcorp
Classification: Uncertain significance for Bethlem myopathy 2; Ullrich congenital muscular dystrophy 2. Last evaluated: 2023-07-07. Review status: criteria provided, single submitter. Criteria: Invitae Variant Classification Sherloc (09022015). Collection method: clinical testing. Allele origin: germline.
Comment: This sequence change replaces alanine, which is neutral and non-polar, with valine, which is neutral and non-polar, at codon 561 of the COL12A1 protein (p.Ala561Val). In summary, the available evidence is currently insufficient to determine the role of this variant in disease. Therefore, it has been classified as a Variant of Uncertain Significance. Advanced modeling of protein sequence and biophysical properties (such as structural, functional, and spatial information, amino acid conservation, physicochemical variation, residue mobility, and thermodynamic stability) performed at Invitae indicates that this missense variant is not expected to disrupt COL12A1 protein function. ClinVar contains an entry for this variant (Variation ID: 851073). This variant has not been reported in the literature in individuals affected with COL12A1-related conditions. This variant is present in population databases (no rsID available, gnomAD 0.0009%).